The following is an entry in ClinVar:

ClinVar aggregate classification (germline): Uncertain significance (1 of 4 stars; one submission).

gnomAD v4.1: 1 of 1,613,852 alleles (0.000062%); highest among the groups gnomAD compares: Non-Finnish European, 0.000085%; no homozygotes.

Submission:

GeneDx
Classification: Uncertain significance. Last evaluated: 2017-03-14. Review status: criteria provided, single submitter. Criteria: GeneDx Variant Classification (06012015). Collection method: clinical testing. Allele origin: germline. Affected: yes.
Comment: A variant of uncertain significance has been identified in the CDK5RAP2 gene. The R316G variant has not been published as a pathogenic variant, nor has it been reported as a benign variant to our knowledge. The R316G variant is not observed in large population cohorts (Lek et al., 2016; 1000 Genomes Consortium et al., 2015; Exome Variant Server). The R316G variant is a non-conservative amino acid substitution, which is likely to impact secondary protein structure as these residues differ in polarity, charge, size and/or other properties. Additionally, this substitution occurs at a position that is conserved across species, and in silico analysis predicts this variant is probably damaging to the protein structure/function. Based on the currently available information, it is unclear whether this variant is a pathogenic variant or a rare benign variant.

NM_018249.6(CDK5RAP2):c.946A>G (p.Arg316Gly)

Gene: CDK5RAP2 (CDK5 regulatory subunit associated protein 2; minus strand). Cytogenetic location: 9q33.2.
Variant type: single nucleotide variant.
Coding change: c.946A>G on transcript NM_018249.6 (MANE Select); coding-DNA position 946, A replaced by G.
Protein change: p.Arg316Gly; replaces arginine 316 with glycine.
Molecular consequence: missense variant. On other transcripts: non-coding transcript variant (5).
Genome position (GRCh38, 1-based): chr9:120,527,859, T>C on the plus strand (A>G on the coding strand, the complement: CDK5RAP2 is on the minus strand). VCF-style: chr9-120527859-T-C. GRCh37 (hg19) VCF-style: chr9-123290137-T-C.
Other names: c.946A>G, p.Arg316Gly (NM_001011649.3, NM_001272039.2); short protein forms R316G.
Identifiers: ClinVar variation 424300 (VCV000424300.2), dbSNP rs751915140, ClinGen allele CA16618730.